The following is an entry in ClinVar:

ClinVar aggregate classification (germline): Likely pathogenic (1 of 4 stars; one submission).

Conditions:
ACVRL1-related disorder. Also called: ACVRL1-related condition; ACVRL1-related disorders.

Submission:

PreventionGenetics, part of Exact Sciences
Classification: Likely pathogenic for ACVRL1-related condition. Last evaluated: 2023-02-17. Review status: criteria provided, single submitter. Criteria: ACMG Guidelines, 2015. Collection method: clinical testing. Allele origin: germline.
Comment: The ACVRL1 c.1436_1440dup5 variant is predicted to result in a frameshift and premature protein termination (p.Thr481Aspfs*23). This variant occurs within the terminal exon of ACVRL1, near the c-terminus. Although it disrupts the terminal 23 amino acids of the protein, it does not lead to premature protein termination. To our knowledge, this variant has not been reported in the literature or in a large population database, indicating this variant is rare. Frameshift variants in ACVRL1 are expected to be pathogenic and missense variants downstream of amino acid 481 have been documented in patients with ACVRL1-related disease (Human Gene Mutation Database). This variant is interpreted as likely pathogenic.

NM_000020.3(ACVRL1):c.1436_1440dup (p.Thr481fs)

Gene: ACVRL1 (activin A receptor like type 1; plus strand). Cytogenetic location: 12q13.13.
Variant type: Duplication.
Coding change: c.1436_1440dup on transcript NM_000020.3 (MANE Select); coding-DNA positions 1436 to 1440, 5 bases duplicated (GACTC; older notation c.1436_1440dupGACTC).
Protein change: p.Thr481fs; shifts the reading frame from threonine 481.
Molecular consequence: frameshift variant.
Genome position (GRCh38, 1-based): chr12:51,920,817-51,920,821, GACTC duplicated; duplicating any 5 consecutive bases within chr12:51,920,816-51,920,821 gives the same sequence; the c. name uses the placement nearest the transcript's 3' end. VCF-style (leftmost placement, unchanged base first): chr12-51920815-C-CCGACT. GRCh37 (hg19) VCF-style: chr12-52314599-C-CCGACT.
Other names: c.1436_1440dup, p.Thr481fs (NM_001077401.2, NM_001406487.1); c.1280_1284dup, p.Thr429fs (NM_001406490.1); c.1124_1128dup, p.Thr377fs (NM_001406491.1, NM_001406492.1); c.926_930dup, p.Thr311fs (NM_001406494.1); c.872_876dup, p.Thr293fs (NM_001406495.1); c.1436_1440dup5 (NM_000020.2); short protein forms T293fs, T311fs, T377fs, T429fs, T481fs.
Identifiers: ClinVar variation 2630237 (VCV002630237.1), dbSNP rs2540174684, ClinGen allele CA2695199089.